The following is an entry in ClinVar:

ClinVar aggregate classification (germline): Uncertain significance (1 of 4 stars; one submission).

Allele frequency attached by ClinVar (database versions not stated): gnomAD exomes below 0.00001.
gnomAD v4.1: 1 of 1,614,206 alleles (0.000062%); highest among the groups gnomAD compares: Non-Finnish European, 0.000085%; no homozygotes.

Submission:

GeneDx
Classification: Uncertain significance. Last evaluated: 2023-03-20. Review status: criteria provided, single submitter. Criteria: GeneDx Variant Classification Process June 2021. Collection method: clinical testing. Allele origin: germline. Affected: yes.
Comment: Not observed at significant frequency in large population cohorts (gnomAD); In silico analysis supports that this missense variant has a deleterious effect on protein structure/function; Has not been previously published as pathogenic or benign to our knowledge; This variant is associated with the following publications: (PMID: 18184292)

NM_000702.4(ATP1A2):c.1916A>C (p.Glu639Ala)

Gene: ATP1A2 (ATPase Na+/K+ transporting subunit alpha 2; plus strand). Cytogenetic location: 1q23.2.
Variant type: single nucleotide variant.
Coding change: c.1916A>C on transcript NM_000702.4 (MANE Select); coding-DNA position 1916, A replaced by C.
Protein change: p.Glu639Ala; replaces glutamic acid 639 with alanine.
Molecular consequence: missense variant.
Genome position (GRCh38, 1-based): chr1:160,134,572, A>C. VCF-style: chr1-160134572-A-C. GRCh37 (hg19) VCF-style: chr1-160104362-A-C.
Other names: short protein forms E639A.
Identifiers: ClinVar variation 2580389 (VCV002580389.1), dbSNP rs2524884204, ClinGen allele CA343247072.